The following is an entry in ClinVar:

NM_194248.3(OTOF):c.1408C>T (p.Gln470Ter)

Gene: OTOF (otoferlin; minus strand). Cytogenetic location: 2p23.3.
Variant type: single nucleotide variant.
Coding change: c.1408C>T on transcript NM_194248.3 (MANE Select); coding-DNA position 1408, C replaced by T.
Protein change: p.Gln470Ter; replaces glutamine 470 with a stop codon.
Molecular consequence: nonsense.
Genome position (GRCh38, 1-based): chr2:26,482,577, G>A on the plus strand (C>T on the coding strand, the complement: OTOF is on the minus strand). VCF-style: chr2-26482577-G-A. GRCh37 (hg19) VCF-style: chr2-26705445-G-A.
Other names: c.1408C>T, p.Gln470Ter (NM_001287489.2); short protein forms Q470*.
Identifiers: ClinVar variation 3601522 (VCV003601522.1).

ClinVar aggregate classification (germline): Likely pathogenic (1 of 4 stars; one submission).

Conditions:
Autosomal recessive nonsyndromic hearing loss 9. Also called: NEUROSENSORY NONSYNDROMIC RECESSIVE DEAFNESS 9; OTOF-Related Hearing Loss; Deafness, autosomal recessive 9; AUDITORY NEUROPATHY, AUTOSOMAL RECESSIVE, 1, TEMPERATURE-SENSITIVE. Identifiers: Orphanet 90636, MedGen C1832828, MONDO:0010986, OMIM 601071.

Submission:

Institute of Rare Diseases, West China Hospital, Sichuan University
Classification: Likely pathogenic for Autosomal recessive nonsyndromic hearing loss 9. Last evaluated: 2025-01-09. Review status: criteria provided, single submitter. Criteria: ClinGen HL ACMG Specifications v1. Collection method: research. Allele origin: germline. Affected: yes.
Comment: PVS1;PM2_Supporting